The following is an entry in ClinVar:

NM_002880.4(RAF1):c.834+636G>A

Gene: RAF1 (Raf-1 proto-oncogene, serine/threonine kinase; minus strand). Cytogenetic location: 3p25.2.
Variant type: single nucleotide variant.
Coding change: c.834+636G>A on transcript NM_002880.4 (MANE Select); 636 bases into the intron after coding-DNA position 834, G replaced by A.
Molecular consequence: intron variant. On other transcripts: missense variant (2).
Genome position (GRCh38, 1-based): chr3:12,603,500, C>T on the plus strand (G>A on the coding strand, the complement: RAF1 is on the minus strand). VCF-style: chr3-12603500-C-T. GRCh37 (hg19) VCF-style: chr3-12644999-C-T.
Other names: c.872G>A, p.Arg291Lys (NM_001354689.3); c.629G>A, p.Arg210Lys (NM_001354694.3); c.492+636G>A (NM_001354695.3); c.591+636G>A (NM_001354692.3, NM_001354691.3); c.735+636G>A (NM_001354693.3); c.834+636G>A (NM_001354690.3); short protein forms R210K, R291K.
Identifiers: ClinVar variation 4983317 (VCV004983317.1).

ClinVar aggregate classification (germline): Uncertain significance (1 of 4 stars; one submission).

Conditions:
RAF1-related disorder. Also called: RAF1-related disorders; RAF1-related condition.

gnomAD v4.1: 6 of 701,178 alleles (0.00086%); highest among the groups gnomAD compares: Non-Finnish European, 0.0016%; no homozygotes.

Submission:

PreventionGenetics, part of Exact Sciences
Classification: Uncertain significance for RAF1-related condition. Last evaluated: 2026-02-19. Review status: criteria provided, single submitter. Criteria: ACMG Guidelines, 2015. Collection method: clinical testing. Allele origin: germline.
Comment: The RAF1 c.872G>A variant is predicted to result in the amino acid substitution p.Arg291Lys. This variant corresponds to a deep intronic position in an alternate transcript for this gene (NM_002880.4:c.834+636G>A). To our knowledge, this variant has not been reported in the literature or in a large population database (gnomAD), indicating this variant is rare. At this time, the clinical significance of this variant is uncertain due to the absence of conclusive functional and genetic evidence.